The following is an entry in ClinVar:

NM_000059.4(BRCA2):c.3889A>T (p.Asn1297Tyr)

Gene: BRCA2 (BRCA2 DNA repair associated; plus strand). Cytogenetic location: 13q13.1.
Variant type: single nucleotide variant.
Coding change: c.3889A>T on transcript NM_000059.4 (MANE Select); coding-DNA position 3889, A replaced by T.
Protein change: p.Asn1297Tyr; replaces asparagine 1297 with tyrosine.
Molecular consequence: missense variant. On other transcripts: non-coding transcript variant (1), intron variant (2).
Genome position (GRCh38, 1-based): chr13:32,338,244, A>T. VCF-style: chr13-32338244-A-T. GRCh37 (hg19) VCF-style: chr13-32912381-A-T.
Other names: c.3889A>T, p.Asn1297Tyr (NM_001406719.1, NM_001406720.1); c.1909+4857A>T (NM_001406721.1); c.425-6314A>T (NM_001406722.1); short protein forms N1297Y.
Identifiers: ClinVar variation 3261653 (VCV003261653.1).

ClinVar aggregate classification (germline): Uncertain significance (1 of 4 stars; one submission).

Conditions:
Hereditary cancer-predisposing syndrome. Also called: Hereditary Cancer Syndrome; Tumor predisposition; Hereditary neoplastic syndrome; Neoplastic Syndromes, Hereditary. Identifiers: Orphanet 140162, MedGen C0027672, MeSH D009386, MONDO:0015356.

Submission:

Ambry Genetics
Classification: Uncertain significance for Hereditary cancer-predisposing syndrome. Last evaluated: 2024-06-07. Review status: criteria provided, single submitter. Criteria: Ambry Variant Classification Scheme 2023. Collection method: clinical testing. Allele origin: germline.
Comment: The p.N1297Y variant (also known as c.3889A>T), located in coding exon 10 of the BRCA2 gene, results from an A to T substitution at nucleotide position 3889. The asparagine at codon 1297 is replaced by tyrosine, an amino acid with dissimilar properties. This amino acid position is conserved. In addition, this alteration is predicted to be tolerated by in silico analysis. Based on the available evidence, the clinical significance of this variant remains unclear.